The following is an entry in ClinVar:

ClinVar aggregate classification (germline): Likely benign (1 of 4 stars; one submission).

Allele frequency attached by ClinVar (database versions not stated): 1000 Genomes Project 0.00060; ExAC 0.00064; 1000 Genomes Project 30x 0.00078; gnomAD 0.00119; TOPMed 0.00136; gnomAD exomes 0.00173; ESP Exome Variant Server 0.00197.
gnomAD v4.1: 2,609 of 1,551,732 alleles (0.17%); highest among the groups gnomAD compares: Non-Finnish European, 0.21%; 2 homozygotes.

Submission:

CeGaT Center for Human Genetics Tuebingen
Classification: Likely benign. Last evaluated: 2022-07-01. Review status: criteria provided, single submitter. Criteria: CeGaT Center For Human Genetics Tuebingen Variant Classification Criteria Version 2. Collection method: clinical testing. Allele origin: germline. Affected: yes. Observed: 1 variant allele.
Comment: SPATA31F1: BP4, BP7

NM_001141917.2(SPATA31F1):c.462G>A (p.Glu154=)

Genes: PHF24 (PHD finger protein 24; plus strand), SPATA31F1 (SPATA31 subfamily F member 1; minus strand). Cytogenetic location: 9p13.3.
Variant type: single nucleotide variant.
Coding change: c.462G>A on transcript NM_001141917.2 (MANE Select); coding-DNA position 462, G replaced by A.
Protein change: p.Glu154=; no amino-acid change (glutamic acid 154 retained).
Molecular consequence: synonymous variant.
Genome position (GRCh38, 1-based): chr9:34,726,778, C>T on the plus strand (G>A on the coding strand, the complement: SPATA31F1 is on the minus strand). VCF-style: chr9-34726778-C-T. GRCh37 (hg19) VCF-style: chr9-34726775-C-T.
Identifiers: ClinVar variation 2659163 (VCV002659163.24), dbSNP rs190805976, ClinGen allele CA5037448.